The following is an entry in ClinVar:

ClinVar aggregate classification (germline): Uncertain significance (1 of 4 stars; one submission).

Conditions:
ADCY3-related disorder. Also called: ADCY3-related condition.

Submission:

PreventionGenetics, part of Exact Sciences
Classification: Uncertain significance for ADCY3-related condition. Last evaluated: 2025-07-02. Review status: criteria provided, single submitter. Criteria: ACMG Guidelines, 2015. Collection method: clinical testing. Allele origin: germline.
Comment: The ADCY3 c.3284G>C variant is predicted to result in the amino acid substitution p.Arg1095Pro. To our knowledge, this variant has not been reported in the literature or in a large population database (gnomAD), indicating this variant is rare. At this time, the clinical significance of this variant is uncertain due to the absence of conclusive functional and genetic evidence.

NM_004036.5(ADCY3):c.3281G>C (p.Arg1094Pro)

Genes: ADCY3 (adenylate cyclase 3; minus strand), CENPO (centromere protein O; plus strand). Cytogenetic location: 2p23.3.
Variant type: single nucleotide variant.
Coding change: c.3281G>C on transcript NM_004036.5 (MANE Select); coding-DNA position 3281, G replaced by C.
Protein change: p.Arg1094Pro; replaces arginine 1094 with proline.
Molecular consequence: missense variant. On other transcripts: 3 prime UTR variant (4), non-coding transcript variant (3).
Genome position (GRCh38, 1-based): chr2:24,820,086, C>G on the plus strand (G>C on the coding strand, the complement: ADCY3 is on the minus strand). VCF-style: chr2-24820086-C-G. GRCh37 (hg19) VCF-style: chr2-25042955-C-G.
Other names: c.3284G>C, p.Arg1095Pro (NM_001320613.2); c.3347G>C, p.Arg1116Pro (NM_001377128.1); c.3143G>C, p.Arg1048Pro (NM_001377129.1); c.*22G>C (NM_001377130.1); c.2558G>C, p.Arg853Pro (NM_001377131.1); c.3281G>C, p.Arg1094Pro (NM_001377132.1); c.*768C>G (NM_001199803.3, NM_001322101.2, NM_024322.4); short protein forms R1116P, R853P, R1048P, R1095P, R1094P.
Identifiers: ClinVar variation 4999611 (VCV004999611.1).
Genomic context (GRCh38, chr2:24,820,086, plus strand): 5'-AGCTCCCCCTTCCCCTTCACAAAGATGGGGCCTCGCCTCACAAAGCGGAAGCCGTACTCT[C>G]GGAGGATGACTTGGGTTTCTTCTACCACCTGGAGAGGGAGGGGGAGCAAGAACGTGGCGT-3'
Protein context (NP_004027.2, residues 1084-1104): QVVEETQVIL[Arg1094Pro]EYGFRFVRRG